The following is an entry in ClinVar:

ClinVar aggregate classification (germline): Uncertain significance (1 of 4 stars; one submission).

Conditions:
Hereditary diffuse gastric adenocarcinoma (HDGC). Also called: DIFFUSE GASTRIC AND LOBULAR BREAST CANCER SYNDROME. Identifiers: Orphanet 26106, MedGen C1708349, MONDO:0007648, OMIM 137215.

Submission:

Labcorp Genetics (formerly Invitae), Labcorp
Classification: Uncertain significance for Hereditary diffuse gastric adenocarcinoma. Last evaluated: 2021-09-21. Review status: criteria provided, single submitter. Criteria: Invitae Variant Classification Sherloc (09022015). Collection method: clinical testing. Allele origin: germline.
Comment: Algorithms developed to predict the effect of missense changes on protein structure and function output the following: SIFT: "Tolerated"; PolyPhen-2: "Benign"; Align-GVGD: "Class C0". The phenylalanine amino acid residue is found in multiple mammalian species, which suggests that this missense change does not adversely affect protein function. In summary, the available evidence is currently insufficient to determine the role of this variant in disease. Therefore, it has been classified as a Variant of Uncertain Significance. This variant has not been reported in the literature in individuals affected with CDH1-related conditions. This variant is not present in population databases (ExAC no frequency). This sequence change replaces tyrosine with phenylalanine at codon 642 of the CDH1 protein (p.Tyr642Phe). The tyrosine residue is moderately conserved and there is a small physicochemical difference between tyrosine and phenylalanine.

NM_004360.5(CDH1):c.1925A>T (p.Tyr642Phe)

Gene: CDH1 (cadherin 1; plus strand). Cytogenetic location: 16q22.1.
Variant type: single nucleotide variant.
Coding change: c.1925A>T on transcript NM_004360.5 (MANE Select); coding-DNA position 1925, A replaced by T.
Protein change: p.Tyr642Phe; replaces tyrosine 642 with phenylalanine.
Molecular consequence: missense variant. On other transcripts: 5 prime UTR variant (1).
Genome position (GRCh38, 1-based): chr16:68,822,214, A>T. VCF-style: chr16-68822214-A-T. GRCh37 (hg19) VCF-style: chr16-68856117-A-T.
Other names: c.1742A>T, p.Tyr581Phe (NM_001317184.2); c.377A>T, p.Tyr126Phe (NM_001317185.2); c.-41A>T (NM_001317186.2); short protein forms Y126F, Y581F, Y642F.
Identifiers: ClinVar variation 1410398 (VCV001410398.6), dbSNP rs2152138609, ClinGen allele CA396467266.